The following is an entry in ClinVar:

NM_031263.4(HNRNPK):c.-28+5G>A

Gene: HNRNPK (heterogeneous nuclear ribonucleoprotein K; minus strand). Cytogenetic location: 9q21.32.
Variant type: single nucleotide variant.
Coding change: c.-28+5G>A on transcript NM_031263.4 (MANE Select); 5 bases into the intron after 28 bases upstream of the start codon, G replaced by A.
Molecular consequence: intron variant.
Genome position (GRCh38, 1-based): chr9:83,978,368, C>T on the plus strand (G>A on the coding strand, the complement: HNRNPK is on the minus strand). VCF-style: chr9-83978368-C-T. GRCh37 (hg19) VCF-style: chr9-86593283-C-T.
Other names: c.-28+5G>A (NM_031262.4, NM_002140.5, NM_001318186.2 and 2 more transcripts).
Identifiers: ClinVar variation 4885135 (VCV004885135.2).

ClinVar aggregate classification (germline): Uncertain significance (1 of 4 stars; one submission).

Submission:

Dasa
Classification: Uncertain significance. Last evaluated: 2025-10-16. Review status: criteria provided, single submitter. Criteria: DASA Assertion Criteria. Collection method: clinical testing. Allele origin: germline.
Comment: NM_031263.4(HNRNPK):c.-28+5G>A is an intronic variant. This variant is absent from population databases. Computational prediction algorithms are consistent with a deleterious effect. The currently available literature and clinical evidence are not sufficient to establish a definitive association between this variant and the reported condition. Therefore, this variant is classified as a variant of uncertain significance.